The following is an entry in ClinVar:

ClinVar aggregate classification (germline): Uncertain significance (1 of 4 stars; one submission).

Submission:

GeneDx
Classification: Uncertain significance. Last evaluated: 2019-04-19. Review status: criteria provided, single submitter. Criteria: GeneDx Variant Classification Process June 2021. Collection method: clinical testing. Allele origin: germline. Affected: yes.
Comment: Not observed in large population cohorts (Lek et al., 2016); In silico analysis, which includes protein predictors and evolutionary conservation, supports a deleterious effect; Has not been previously published as pathogenic or benign to our knowledge

NM_005654.6(NR2F1):c.1096C>A (p.Arg366Ser)

Gene: NR2F1 (nuclear receptor subfamily 2 group F member 1; plus strand). Cytogenetic location: 5q15.
Variant type: single nucleotide variant.
Coding change: c.1096C>A on transcript NM_005654.6 (MANE Select); coding-DNA position 1096, C replaced by A.
Protein change: p.Arg366Ser; replaces arginine 366 with serine.
Molecular consequence: missense variant.
Genome position (GRCh38, 1-based): chr5:93,593,666, C>A. VCF-style: chr5-93593666-C-A. GRCh37 (hg19) VCF-style: chr5-92929372-C-A.
Other names: short protein forms R366S.
Identifiers: ClinVar variation 1308561 (VCV001308561.2), dbSNP rs764011372, ClinGen allele CA360527792.